The following is an entry in ClinVar:

ClinVar aggregate classification (germline): Uncertain significance. Review status: criteria provided, multiple submitters, no conflicts (2 of 4 stars). 2 submissions from 2 submitters: Uncertain significance (2). Last evaluated 2026-10-07.

Conditions:
OTOG-related disorder. Also called: OTOG-related condition.

Allele frequency attached by ClinVar (database versions not stated): gnomAD exomes 0.00007; TOPMed 0.00001.
gnomAD v4.1: 10 of 1,550,616 alleles (0.00064%); highest among the groups gnomAD compares: Admixed American, 0.018%; no homozygotes.

Submissions (2):

GeneDx
Classification: Uncertain significance. Last evaluated: 2026-10-07. Review status: criteria provided, single submitter. Criteria: GeneDx Variant Classification Process June 2021. Collection method: clinical testing. Allele origin: germline.
Comment: In silico analysis supports that this missense variant has a deleterious effect on protein structure/function; Has not been previously published as pathogenic or benign to our knowledge

PreventionGenetics, part of Exact Sciences
Classification: Uncertain significance for OTOG-related condition. Last evaluated: 2025-08-30. Review status: criteria provided, single submitter. Criteria: ACMG Guidelines, 2015. Collection method: clinical testing. Allele origin: germline.
Comment: The OTOG c.1688A>G variant is predicted to result in the amino acid substitution p.Asp563Gly. To our knowledge, this variant has not been reported in the literature. This variant is reported in 0.037% of alleles in individuals of Latino descent in gnomAD. At this time, the clinical significance of this variant is uncertain due to the absence of conclusive functional and genetic evidence.

NM_001292063.2(OTOG):c.1652A>G (p.Asp551Gly)

Gene: OTOG (otogelin; plus strand). Cytogenetic location: 11p15.1.
Variant type: single nucleotide variant.
Coding change: c.1652A>G on transcript NM_001292063.2 (MANE Select); coding-DNA position 1652, A replaced by G.
Protein change: p.Asp551Gly; replaces aspartic acid 551 with glycine.
Molecular consequence: missense variant.
Genome position (GRCh38, 1-based): chr11:17,569,163, A>G. VCF-style: chr11-17569163-A-G. GRCh37 (hg19) VCF-style: chr11-17590710-A-G.
Other names: c.1688A>G, p.Asp563Gly (NM_001277269.2); short protein forms D551G, D563G.
Identifiers: ClinVar variation 1343071 (VCV001343071.6), dbSNP rs1477235426, ClinGen allele CA379819304.